The following is an entry in ClinVar:

NM_004560.4(ROR2):c.2285C>T (p.Ser762Leu)

Gene: ROR2 (ROR family WNT receptor 2; minus strand). Cytogenetic location: 9q22.31.
Variant type: single nucleotide variant.
Coding change: c.2285C>T on transcript NM_004560.4 (MANE Select); coding-DNA position 2285, C replaced by T.
Protein change: p.Ser762Leu; replaces serine 762 with leucine.
Molecular consequence: missense variant.
Genome position (GRCh38, 1-based): chr9:91,724,209, G>A on the plus strand (C>T on the coding strand, the complement: ROR2 is on the minus strand). VCF-style: chr9-91724209-G-A. GRCh37 (hg19) VCF-style: chr9-94486491-G-A.
Other names: short protein forms S762L.
Identifiers: ClinVar variation 159817 (VCV000159817.48), dbSNP rs34491822, ClinGen allele CA173326.

ClinVar aggregate classification (germline): Conflicting classifications of pathogenicity. Review status: criteria provided, conflicting classifications (1 of 4 stars). 8 submissions from 7 submitters: Uncertain significance (3); Benign (2); Likely benign (3). Last evaluated 2026-02-01.

Conditions:
Brachydactyly, type B1Robinow syndrome, autosomal recessive.
Brachydactyly type B1 (BDB1). Identifiers: Orphanet 572385, Orphanet 93383, MedGen C1862112, MONDO:0007220, OMIM 113000.
Autosomal recessive Robinow syndrome (RRS1). Also called: COSTOVERTEBRAL SEGMENTATION DEFECT WITH MESOMELIA; COVESDEM SYNDROME; ROR2-Related Robinow Syndrome; ROBINOW SYNDROME, AUTOSOMAL RECESSIVE 1. Identifiers: Orphanet 1507, Orphanet 97360, MedGen C5399974, MONDO:0009999, OMIM 268310.

Allele frequency attached by ClinVar (database versions not stated): gnomAD exomes 0.00292 and 0.00389; ExAC 0.00327; gnomAD 0.00350 and 0.00357; 1000 Genomes Project 30x 0.00094; 1000 Genomes Project 0.00100; TOPMed 0.00224; ESP Exome Variant Server 0.00292.
gnomAD v4.1: 6,145 of 1,613,236 alleles (0.38%); highest among the groups gnomAD compares: Non-Finnish European, 0.46%; 12 homozygotes.

Submissions (8):

Labcorp Genetics (formerly Invitae), Labcorp
Classification: Likely benign. Last evaluated: 2026-02-01. Review status: criteria provided, single submitter. Criteria: Invitae Variant Classification Sherloc (09022015). Collection method: clinical testing. Allele origin: germline.

CeGaT Center for Human Genetics Tuebingen
Classification: Benign. Last evaluated: 2025-02-01. Review status: criteria provided, single submitter. Criteria: CeGaT Center For Human Genetics Tuebingen Variant Classification Criteria Version 2. Collection method: clinical testing. Allele origin: germline. Affected: yes. Observed: 7 variant alleles.
Comment: ROR2: BS1, BS2

Blueprint Genetics
Classification: Likely benign. Last evaluated: 2024-11-27. Review status: criteria provided, single submitter. Criteria: ACMG Guidelines, 2015. Collection method: clinical testing. Allele origin: germline.

GeneDx
Classification: Uncertain significance. Last evaluated: 2022-05-12. Review status: criteria provided, single submitter. Criteria: GeneDx Variant Classification Process June 2021. Collection method: clinical testing. Allele origin: germline. Affected: yes.
Comment: In silico analysis, which includes protein predictors and evolutionary conservation, supports a deleterious effect; Has not been previously published as pathogenic or benign to our knowledge

Illumina Laboratory Services, Illumina
Classification: Benign for Brachydactyly type B1. Last evaluated: 2018-01-13. Review status: criteria provided, single submitter. Criteria: ICSL Variant Classification Criteria 13 December 2019. Collection method: clinical testing. Allele origin: germline.
Comment: This variant was observed in the ICSL laboratory as part of a predisposition screen in an ostensibly healthy population. It had not been previously curated by ICSL or reported in the Human Gene Mutation Database (HGMD: prior to June 1st, 2018), and was therefore a candidate for classification through an automated scoring system. Utilizing variant allele frequency, disease prevalence and penetrance estimates, and inheritance mode, an automated score was calculated to assess if this variant is too frequent to cause the disease. Based on the score and internal cut-off values, a variant classified as benign is not then subjected to further curation. The score for this variant resulted in a classification of benign for this disease.

Illumina Laboratory Services, Illumina
Classification: Likely benign for Autosomal recessive Robinow syndrome. Last evaluated: 2018-01-13. Review status: criteria provided, single submitter. Criteria: ICSL Variant Classification Criteria 13 December 2019. Collection method: clinical testing. Allele origin: germline.
Comment: This variant was observed in the ICSL laboratory as part of a predisposition screen in an ostensibly healthy population. It had not been previously curated by ICSL or reported in the Human Gene Mutation Database (HGMD: prior to June 1st, 2018), and was therefore a candidate for classification through an automated scoring system. Utilizing variant allele frequency, disease prevalence and penetrance estimates, and inheritance mode, an automated score was calculated to assess if this variant is too frequent to cause the disease. Based on the score and internal cut-off values, a variant classified as likely benign is not then subjected to further curation. The score for this variant resulted in a classification of likely benign for this disease.

Eurofins Ntd Llc (ga)
Classification: Uncertain significance. Last evaluated: 2016-04-25. Review status: criteria provided, single submitter. Criteria: EGL Classification Definitions 2015. Collection method: clinical testing. Allele origin: germline. Observed: 3 variant alleles, 3 heterozygotes.

Genetic Services Laboratory, University of Chicago
Classification: Uncertain significance for Brachydactyly, type B1Robinow syndrome, autosomal recessive. Last evaluated: 2013-08-28. Review status: criteria provided, single submitter. Criteria: ACMG Guidelines, 2007. Collection method: clinical testing. Allele origin: germline. Inheritance: Autosomal recessive inheritance.